The following is an entry in ClinVar:

ClinVar aggregate classification (germline): Uncertain significance (1 of 4 stars; one submission).

Conditions:
Charcot-Marie-Tooth disease type 2. Also called: Charcot-Marie-Tooth type 2. Identifiers: Orphanet 64746, MedGen C0270914, MONDO:0018993.

Allele frequency attached by ClinVar (database versions not stated): gnomAD exomes below 0.00001; TOPMed below 0.00001; ExAC 0.00001; gnomAD 0.00001.
gnomAD v4.1: 3 of 1,614,068 alleles (0.00019%); highest among the groups gnomAD compares: Non-Finnish European, 0.00025%; no homozygotes.

Submission:

Labcorp Genetics (formerly Invitae), Labcorp
Classification: Uncertain significance for Charcot-Marie-Tooth disease type 2. Last evaluated: 2022-09-26. Review status: criteria provided, single submitter. Criteria: Invitae Variant Classification Sherloc (09022015). Collection method: clinical testing. Allele origin: germline.
Comment: This variant is present in population databases (rs753559175, gnomAD 0.0009%). This sequence change falls in intron 8 of the GARS gene. It does not directly change the encoded amino acid sequence of the GARS protein. This variant has not been reported in the literature in individuals affected with GARS-related conditions. In summary, the available evidence is currently insufficient to determine the role of this variant in disease. Therefore, it has been classified as a Variant of Uncertain Significance. Algorithms developed to predict the effect of sequence changes on RNA splicing suggest that this variant may create or strengthen a splice site.

NM_002047.4(GARS1):c.1032-6T>C

Gene: GARS1 (glycyl-tRNA synthetase 1; plus strand). Cytogenetic location: 7p14.3.
Variant type: single nucleotide variant.
Coding change: c.1032-6T>C on transcript NM_002047.4 (MANE Select); 6 bases into the intron before coding-DNA position 1032, T replaced by C.
Molecular consequence: intron variant.
Genome position (GRCh38, 1-based): chr7:30,615,890, T>C. VCF-style: chr7-30615890-T-C. GRCh37 (hg19) VCF-style: chr7-30655506-T-C.
Other names: c.870-6T>C (NM_001316772.1).
Identifiers: ClinVar variation 1981591 (VCV001981591.4), dbSNP rs753559175, ClinGen allele CA4205886.